The following is an entry in ClinVar:

NM_001276345.2(TNNT2):c.609+2T>A

Gene: TNNT2 (troponin T2, cardiac type; minus strand). Cytogenetic location: 1q32.1.
Variant type: single nucleotide variant.
Coding change: c.609+2T>A on transcript NM_001276345.2 (MANE Select); the canonical splice donor site of the intron after coding-DNA position 609, T replaced by A.
Molecular consequence: splice donor variant. On other transcripts: intron variant (6).
Genome position (GRCh38, 1-based): chr1:201,362,384, A>T on the plus strand (T>A on the coding strand, the complement: TNNT2 is on the minus strand). VCF-style: chr1-201362384-A-T. GRCh37 (hg19) VCF-style: chr1-201331512-A-T.
Other names: c.571-362T>A (NM_001406727.1, NM_001001431.3, NM_001406726.1); c.579+2T>A (NM_001406724.1, NM_001001430.3, NM_001276347.2); c.561+2T>A (NM_001001432.3); c.564+2T>A (NM_001406728.1); c.576+2T>A (NM_001406725.1); c.481-362T>A (NM_001276346.2); c.601-362T>A (NM_000364.4, NM_001406723.1).
Identifiers: ClinVar variation 2444397 (VCV002444397.1), dbSNP rs2526953654, ClinGen allele CA344204148.

ClinVar aggregate classification (germline): Likely pathogenic (1 of 4 stars; one submission).

Conditions:
Hypertrophic cardiomyopathy 2. Also called: TNNT2-Related Familial Hypertrophic Cardiomyopathy. Identifiers: MedGen C1861864, MONDO:0007266, OMIM 115195.

Submission:

3billion
Classification: Likely pathogenic for Hypertrophic cardiomyopathy 2. Last evaluated: 2023-02-23. Review status: criteria provided, single submitter. Criteria: ACMG Guidelines, 2015. Collection method: clinical testing. Allele origin: unknown. Affected: yes.
Comment: The variant is not observed in the gnomAD v2.1.1 dataset. This variant was predicted to alter splicing and result in a loss or disruption of normal protein function. Multiple pathogenic loss-of-function variants are reported downstream of the variant. Therefore, this variant is classified as Likely pathogenic according to the recommendation of ACMG/AMP guideline.